The following is an entry in ClinVar:

NM_003104.6(SORD):c.752_753del (p.Thr251fs)

Gene: SORD (sorbitol dehydrogenase; plus strand). Cytogenetic location: 15q21.1.
Variant type: Deletion.
Coding change: c.752_753del on transcript NM_003104.6 (MANE Select); coding-DNA positions 752 to 753, 2 bases deleted (CG; older notation c.752_753delCG).
Protein change: p.Thr251fs; shifts the reading frame from threonine 251.
Molecular consequence: frameshift variant. On other transcripts: non-coding transcript variant (1).
Genome position (GRCh38, 1-based): chr15:45,069,018-45,069,019, CG deleted. VCF-style (leftmost placement, unchanged base first): chr15-45069017-ACG-A. GRCh37 (hg19) VCF-style: chr15-45361215-ACG-A.
Other names: short protein forms T251fs.
Identifiers: ClinVar variation 5042606 (VCV005042606.1).

ClinVar aggregate classification (germline): Uncertain significance (1 of 4 stars; one submission).

Conditions:
Neuronopathy, distal hereditary motor, autosomal recessive 8. Also called: SORBITOL DEHYDROGENASE DEFICIENCY WITH PERIPHERAL NEUROPATHY; SORBITOL DEHYDROGENASE DEFICIENCY; NEUROPATHY, DISTAL HEREDITARY MOTOR, AUTOSOMAL RECESSIVE 8. Identifiers: Orphanet 700508, MedGen C5394466, MONDO:0030055, OMIM 618912.

Submission:

Cellular and Molecular Research Center, Cellular and Molecular Medicine Research Institute,, Urmia University of Medical Sciences
Classification: Uncertain significance for Neuronopathy, distal hereditary motor, autosomal recessive 8. Last evaluated: 2026-10-14. Review status: criteria provided, single submitter. Criteria: ACMG Guidelines, 2015. Collection method: clinical testing. Allele origin: germline. Inheritance: Autosomal recessive inheritance. Affected: yes. Observed: 1 variant allele, 1 heterozygote.
Comment: The SORD gene encodes sorbitol dehydrogenase, an enzyme that converts sorbitol into fructose in the polyol metabolic pathway. This enzyme is important for preventing excessive sorbitol accumulation in cells. The result of the primary analysis is therefore negative. Secondary findings A heterozygous frameshift variant was identified in SORD (ENST00000267814.14:exon7:c.752_753del, p.Thr251ArgfsTer27; chr15:45069018). It is classified as pathogenic/likely pathogenic in ClinVar and as likely pathogenic in VarSome. SORD-related sorbitol dehydrogenase deficiency with peripheral neuropathy follows autosomal recessive inheritance.

Literature cited by the submitters: DOI 10.1038/s41588-020-0615-4.